The following is an entry in ClinVar:

NM_007325.5(GRIA3):c.73C>T (p.His25Tyr)

Gene: GRIA3 (glutamate ionotropic receptor AMPA type subunit 3; plus strand). Cytogenetic location: Xq25.
Variant type: single nucleotide variant.
Coding change: c.73C>T on transcript NM_007325.5 (MANE Select); coding-DNA position 73, C replaced by T.
Protein change: p.His25Tyr; replaces histidine 25 with tyrosine.
Molecular consequence: missense variant.
Genome position (GRCh38, 1-based): chrX:123,184,608, C>T. VCF-style: chrX-123184608-C-T. GRCh37 (hg19) VCF-style: chrX-122318460-C-T.
Other names: c.73C>T, p.His25Tyr (NM_000828.5, NM_001256743.2); short protein forms H25Y.
Identifiers: ClinVar variation 2759834 (VCV002759834.3), dbSNP rs868658758, ClinGen allele CA335223948.

ClinVar aggregate classification (germline): Uncertain significance (1 of 4 stars; one submission).

Submission:

Labcorp Genetics (formerly Invitae), Labcorp
Classification: Uncertain significance. Last evaluated: 2023-09-10. Review status: criteria provided, single submitter. Criteria: Invitae Variant Classification Sherloc (09022015). Collection method: clinical testing. Allele origin: germline.
Comment: This variant has not been reported in the literature in individuals affected with GRIA3-related conditions. In summary, the available evidence is currently insufficient to determine the role of this variant in disease. Therefore, it has been classified as a Variant of Uncertain Significance. An algorithm developed to predict the effect of missense changes on protein structure and function (PolyPhen-2) suggests that this variant is likely to be tolerated. This variant is not present in population databases (gnomAD no frequency). This sequence change replaces histidine, which is basic and polar, with tyrosine, which is neutral and polar, at codon 25 of the GRIA3 protein (p.His25Tyr).